The following is an entry in ClinVar:

ClinVar aggregate classification (germline): Benign (1 of 4 stars; one submission).

Allele frequency attached by ClinVar (database versions not stated): gnomAD exomes 0.29253; TOPMed 0.32480; gnomAD 0.31233 and 0.30956; 1000 Genomes Project 0.34465; 1000 Genomes Project 30x 0.34385.
gnomAD v4.1: 354,409 of 1,203,186 alleles (29%); highest among the groups gnomAD compares: Admixed American, 52%; 55,617 homozygotes.

Submissions (3):

GeneDx
Classification: Benign. Last evaluated: 2018-06-14. Review status: criteria provided, single submitter. Criteria: GeneDx Variant Classification (06012015). Collection method: clinical testing. Allele origin: germline. Affected: yes.
Comment: This variant is considered likely benign or benign based on one or more of the following criteria: it is a conservative change, it occurs at a poorly conserved position in the protein, it is predicted to be benign by multiple in silico algorithms, and/or has population frequency not consistent with disease.

Dr. Peter K. Rogan Lab, Western University
No classification provided (evidence only). Condition: Malignant lymphoma, large B-cell, diffuse. Review status: no classification provided. Collection method: in vitro. Allele origin: not applicable. Functional consequence: retained intron. Not counted in ClinVar's aggregate classification.

Dr. Peter K. Rogan Lab, Western University
No classification provided (evidence only). Condition: Hepatocellular carcinoma. Review status: no classification provided. Collection method: in vitro. Allele origin: not applicable. Functional consequence: retained intron. Not counted in ClinVar's aggregate classification.

NM_032861.4(SERAC1):c.91+68A>G

Gene: SERAC1 (serine active site containing 1; minus strand). Cytogenetic location: 6q25.3.
Variant type: single nucleotide variant.
Coding change: c.91+68A>G on transcript NM_032861.4 (MANE Select); 68 bases into the intron after coding-DNA position 91, A replaced by G.
Molecular consequence: intron variant.
Genome position (GRCh38, 1-based): chr6:158,158,205, T>C on the plus strand (A>G on the coding strand, the complement: SERAC1 is on the minus strand). VCF-style: chr6-158158205-T-C. GRCh37 (hg19) VCF-style: chr6-158579237-T-C.
Other names: NC_000006.11:g.158579237T>C.
Identifiers: ClinVar variation 671613 (VCV000671613.2), dbSNP rs6933016, ClinGen allele CA150893043.